The following is an entry in ClinVar:

ClinVar aggregate classification (germline): Uncertain significance. Review status: criteria provided, multiple submitters, no conflicts (2 of 4 stars). 3 submissions from 3 submitters: Uncertain significance (3). Last evaluated 2025-10-16.

Conditions:
Oto-palato-digital syndrome, type II (OPD2). Also called: FACIOPALATOOSSEOUS SYNDROME; OPD II SYNDROME; Otopalatodigital Syndrome, Type II; Otopalatodigital Syndrome Type 2 (FLNA-OPD2). Identifiers: Orphanet 669, Orphanet 90652, MedGen C1844696, MONDO:0010571, OMIM 304120.
Frontometaphyseal dysplasia (FMD1). Identifiers: Orphanet 1826, MedGen C0265293, MONDO:0015942.
Melnick-Needles syndrome (MNS). Also called: MELNICK-NEEDLES OSTEODYSPLASTY; OSTEODYSPLASTY OF MELNICK AND NEEDLES; Melnick-Needles Syndrome (FLNA-MNS). Identifiers: Orphanet 2484, MedGen C0025237, MONDO:0010650, OMIM 309350.
Heterotopia, periventricular, X-linked dominant (PVNH1). Also called: PERIVENTRICULAR NODULAR HETEROTOPIA 1; PERIVENTRICULAR NODULAR HETEROTOPIA 4; HETEROTOPIA, PERIVENTRICULAR, 1; X-linked periventricular heterotopia. Identifiers: Orphanet 2149, Orphanet 82004, MedGen C1848213, MONDO:0010233, OMIM 300049.
Familial thoracic aortic aneurysm and aortic dissection (TAAD). Also called: Thoracic aortic aneurysms and dissections. Identifiers: Orphanet 91387, MedGen C4707243, MONDO:0019625.

Allele frequency attached by ClinVar (database versions not stated): gnomAD 0.00001; gnomAD exomes 0.00001; ExAC 0.00004.
gnomAD v4.1: 14 of 1,210,707 alleles (0.0012%); highest among the groups gnomAD compares: Middle Eastern, 0.023%; no homozygotes.

Submissions (3):

Labcorp Genetics (formerly Invitae), Labcorp
Classification: Uncertain significance for Oto-palato-digital syndrome, type II; Heterotopia, periventricular, X-linked dominant; Frontometaphyseal dysplasia; Melnick-Needles syndrome. Last evaluated: 2025-10-16. Review status: criteria provided, single submitter. Criteria: Invitae Variant Classification Sherloc (09022015). Collection method: clinical testing. Allele origin: germline.
Comment: This sequence change replaces threonine, which is neutral and polar, with methionine, which is neutral and non-polar, at codon 1731 of the FLNA protein (p.Thr1731Met). This variant is present in population databases (rs782768845, gnomAD 0.02%). This variant has not been reported in the literature in individuals affected with FLNA-related conditions. ClinVar contains an entry for this variant (Variation ID: 2037625). An algorithm developed to predict the effect of missense changes on protein structure and function outputs the following: PolyPhen-2: "Benign". The methionine amino acid residue is found in multiple mammalian species, which suggests that this missense change does not adversely affect protein function. In summary, the available evidence is currently insufficient to determine the role of this variant in disease. Therefore, it has been classified as a Variant of Uncertain Significance.

Ambry Genetics
Classification: Uncertain significance for Familial thoracic aortic aneurysm and aortic dissection. Last evaluated: 2024-09-10. Review status: criteria provided, single submitter. Criteria: Ambry Variant Classification Scheme 2023. Collection method: clinical testing. Allele origin: germline.
Comment: The p.T1731M variant (also known as c.5192C>T), located in coding exon 29 of the FLNA gene, results from a C to T substitution at nucleotide position 5192. The threonine at codon 1731 is replaced by methionine, an amino acid with similar properties. Based on data from gnomAD, the T allele has an overall frequency of <0.01% (7/179866) total alleles studied, with 4 hemizygote(s) observed. The highest observed frequency was <0.01% (1/27345) of Latino alleles. This amino acid position is not well conserved in available vertebrate species. In addition, this alteration is predicted to be tolerated by in silico analysis. Based on the available evidence, the clinical significance of this variant remains unclear.

Mayo Clinic Laboratories, Mayo Clinic
Classification: Uncertain significance. Last evaluated: 2023-08-28. Review status: criteria provided, single submitter. Criteria: ACMG Guidelines, 2015. Collection method: clinical testing. Allele origin: germline. Observed: 1 variant allele.
Comment: BP4, PP2

NM_001110556.2(FLNA):c.5216C>T (p.Thr1739Met)

Gene: FLNA (filamin A; minus strand). Cytogenetic location: Xq28.
Variant type: single nucleotide variant.
Coding change: c.5216C>T on transcript NM_001110556.2 (MANE Select); coding-DNA position 5216, C replaced by T.
Protein change: p.Thr1739Met; replaces threonine 1739 with methionine.
Molecular consequence: missense variant.
Genome position (GRCh38, 1-based): chrX:154,354,826, G>A on the plus strand (C>T on the coding strand, the complement: FLNA is on the minus strand). VCF-style: chrX-154354826-G-A. GRCh37 (hg19) VCF-style: chrX-153583194-G-A.
Other names: p.Thr1731Met; c.5192C>T, p.Thr1731Met (NM_001456.4); c.5192C>T (NM_001456.3); short protein forms T1739M, T1731M.
Identifiers: ClinVar variation 2037625 (VCV002037625.6), dbSNP rs782768845, ClinGen allele CA10560372.
Genomic context (GRCh38, chrX:154,354,826, plus strand): 5'-GGGGAACAGGCCGGGACCTGCCAGACACCCCTGCTGACCTACCCCCCACCCCTCCTCACC[G>A]TCACTTGGAAGGGGCTGTTGGGCACGTGCTCGCCACCAAAGCGCACACAGATGACGTATT-3'
Protein context (NP_001104026.1, residues 1729-1749): EHVPNSPFQV[Thr1739Met]ALAGDQPSVQ